The following is an entry in ClinVar:

NM_001165963.4(SCN1A):c.3983del (p.Ser1328fs)

Genes: SCN1A (sodium voltage-gated channel alpha subunit 1; minus strand), LOC102724058 (uncharacterized LOC102724058; plus strand). Cytogenetic location: 2q24.3.
Variant type: Deletion.
Coding change: c.3983del on transcript NM_001165963.4 (MANE Select); coding-DNA position 3983, one base deleted (C; older notation c.3983delC).
Protein change: p.Ser1328fs; shifts the reading frame from serine 1328.
Molecular consequence: frameshift variant. On other transcripts: non-coding transcript variant (1).
Genome position (GRCh38, 1-based): chr2:166,009,738, G deleted on the plus strand (C on the coding strand, the reverse complement: SCN1A is on the minus strand). VCF-style (leftmost placement, unchanged base first): chr2-166009737-AG-A. GRCh37 (hg19) VCF-style: chr2-166866247-AG-A.
Other names: c.3899del, p.Ser1300fs (NM_001165964.3, NM_001353957.2, NM_001353958.2); c.3983del, p.Ser1328fs (NM_001202435.3, NM_001353948.2); c.3950del, p.Ser1317fs (NM_001353949.2, NM_001353950.2, NM_001353951.2 and 2 more transcripts); c.3947del, p.Ser1316fs (NM_001353954.2, NM_001353955.2); c.3896del, p.Ser1299fs (NM_001353960.2); c.1541del, p.Ser514fs (NM_001353961.2); short protein forms S1299fs, S1300fs, S1316fs, S1317fs, S1328fs, S514fs.
Identifiers: ClinVar variation 4855724 (VCV004855724.1).

ClinVar aggregate classification (germline): Likely pathogenic (1 of 4 stars; one submission).

Conditions:
Severe myoclonic epilepsy in infancy (DRVT). Also called: SEVERE MYOCLONIC EPILEPSY OF INFANCY; Dravet syndrome; Epileptic encephalopathy, early infantile, 6 (Dravet syndrome); DEVELOPMENTAL AND EPILEPTIC ENCEPHALOPATHY 6A; Severe Myoclonic Epilepsy in Infancy (SMEI). Identifiers: Orphanet 33069, MedGen C0751122, MONDO:0100135, OMIM 607208.

Submission:

3billion
Classification: Likely pathogenic for Severe myoclonic epilepsy in infancy. Last evaluated: 2025-12-01. Review status: criteria provided, single submitter. Criteria: ACMG Guidelines, 2015. Collection method: clinical testing. Allele origin: germline. Affected: yes.
Comment: The variant is not observed in the gnomAD v4.1.0 dataset. Predicted Consequence/Location: Frameshift: predicted to result in a loss or disruption of normal protein function through nonsense-mediated decay (NMD) or protein truncation. Multiple pathogenic variants are reported downstream of the variant. Therefore, this variant is classified as Likely pathogenic according to the recommendation of ACMG/AMP guideline.